The following is an entry in ClinVar:

NM_005591.4(MRE11):c.1073C>A (p.Pro358Gln)

Gene: MRE11 (MRE11 double strand break repair nuclease; minus strand). Cytogenetic location: 11q21.
Variant type: single nucleotide variant.
Coding change: c.1073C>A on transcript NM_005591.4 (MANE Select); coding-DNA position 1073, C replaced by A.
Protein change: p.Pro358Gln; replaces proline 358 with glutamine.
Molecular consequence: missense variant.
Genome position (GRCh38, 1-based): chr11:94,467,838, G>T on the plus strand (C>A on the coding strand, the complement: MRE11 is on the minus strand). VCF-style: chr11-94467838-G-T. GRCh37 (hg19) VCF-style: chr11-94201004-G-T.
Other names: c.1073C>A, p.Pro358Gln (NM_001330347.2, NM_005590.4); short protein forms P358Q.
Identifiers: ClinVar variation 479722 (VCV000479722.15), dbSNP rs1430351329, ClinGen allele CA382373715.

ClinVar aggregate classification (germline): Uncertain significance. Review status: criteria provided, multiple submitters, no conflicts (2 of 4 stars). 3 submissions from 3 submitters: Uncertain significance (3). Last evaluated 2025-07-28.

Conditions:
Ataxia-telangiectasia-like disorder (ATLD). Identifiers: MedGen C1858391, MONDO:0011457.
Hereditary cancer-predisposing syndrome. Also called: Hereditary Cancer Syndrome; Neoplastic Syndromes, Hereditary; Tumor predisposition; Hereditary neoplastic syndrome. Identifiers: Orphanet 140162, MedGen C0027672, MeSH D009386, MONDO:0015356.

Allele frequency attached by ClinVar (database versions not stated): gnomAD exomes below 0.00001.
gnomAD v4.1: 1 of 1,613,488 alleles (0.000062%); highest among the groups gnomAD compares: Admixed American, 0.0017%; no homozygotes.

Submissions (3):

Ambry Genetics
Classification: Uncertain significance for Hereditary cancer-predisposing syndrome. Last evaluated: 2025-07-28. Review status: criteria provided, single submitter. Criteria: Ambry Variant Classification Scheme 2023. Collection method: clinical testing. Allele origin: germline.
Comment: The p.P358Q variant (also known as c.1073C>A), located in coding exon 9 of the MRE11A gene, results from a C to A substitution at nucleotide position 1073. The proline at codon 358 is replaced by glutamine, an amino acid with similar properties. This amino acid position is highly conserved in available vertebrate species. In addition, the in silico prediction for this alteration is inconclusive. Since supporting evidence is limited at this time, the clinical significance of this alteration remains unclear.

Women's Health and Genetics/Laboratory Corporation of America, LabCorp
Classification: Uncertain significance. Last evaluated: 2025-07-08. Review status: criteria provided, single submitter. Criteria: LabCorp Variant Classification Summary - May 2015. Collection method: clinical testing. Allele origin: germline.
Comment: Variant summary: MRE11A c.1073C>A (p.Pro358Gln) results in a non-conservative amino acid change in the encoded protein sequence. Algorithms developed to predict the effect of missense changes on protein structure and function all suggest that this variant is likely to be disruptive. The variant allele was found at a frequency of 4e-06 in 251414 control chromosomes. The available data on variant occurrences in the general population are insufficient to allow any conclusion about variant significance. To our knowledge, no occurrence of c.1073C>A in individuals affected with Ataxia Telangiectasia-Like Disorder or Hereditary Breast And Ovarian Cancer Syndrome and no experimental evidence demonstrating its impact on protein function have been reported. ClinVar contains an entry for this variant (Variation ID: 479722). Based on the evidence outlined above, the variant was classified as uncertain significance.

Labcorp Genetics (formerly Invitae), Labcorp
Classification: Uncertain significance for Ataxia-telangiectasia-like disorder. Last evaluated: 2025-04-22. Review status: criteria provided, single submitter. Criteria: Invitae Variant Classification Sherloc (09022015). Collection method: clinical testing. Allele origin: germline.
Comment: This sequence change replaces proline, which is neutral and non-polar, with glutamine, which is neutral and polar, at codon 358 of the MRE11 protein (p.Pro358Gln). This variant is present in population databases (no rsID available, gnomAD 0.003%). This variant has not been reported in the literature in individuals affected with MRE11-related conditions. ClinVar contains an entry for this variant (Variation ID: 479722). An algorithm developed to predict the effect of missense changes on protein structure and function (PolyPhen-2) suggests that this variant is likely to be disruptive. In summary, the available evidence is currently insufficient to determine the role of this variant in disease. Therefore, it has been classified as a Variant of Uncertain Significance.